The following is an entry in ClinVar:

ClinVar aggregate classification (germline): Conflicting classifications of pathogenicity. Review status: criteria provided, conflicting classifications (1 of 4 stars). 6 submissions from 6 submitters: Uncertain significance (5); Likely benign (1). Last evaluated 2026-01-28.

Conditions:
Inborn genetic diseases. Identifiers: MedGen C0950123, MeSH D030342.
Autosomal recessive nonsyndromic hearing loss 3. Also called: NEUROSENSORY NONSYNDROMIC RECESSIVE DEAFNESS 3. Identifiers: Orphanet 90636, MedGen C1838263, MONDO:0010860, OMIM 600316.

Allele frequency attached by ClinVar (database versions not stated): gnomAD 0.00020; ExAC 0.00021; TOPMed 0.00022; gnomAD exomes 0.00025; ESP Exome Variant Server 0.00049.
gnomAD v4.1: 604 of 1,613,926 alleles (0.037%); highest among the groups gnomAD compares: Non-Finnish European, 0.045%; no homozygotes.

Submissions (6):

Labcorp Genetics (formerly Invitae), Labcorp
Classification: Likely benign. Last evaluated: 2026-01-28. Review status: criteria provided, single submitter. Criteria: Invitae Variant Classification Sherloc (09022015). Collection method: clinical testing. Allele origin: germline.

Ambry Genetics
Classification: Uncertain significance for Inborn genetic diseases. Last evaluated: 2024-12-26. Review status: criteria provided, single submitter. Criteria: Ambry Variant Classification Scheme 2023. Collection method: clinical testing. Allele origin: germline.

GeneDx
Classification: Uncertain significance. Last evaluated: 2024-05-15. Review status: criteria provided, single submitter. Criteria: GeneDx Variant Classification Process June 2021. Collection method: clinical testing. Allele origin: germline. Affected: yes.
Comment: In silico analysis indicates that this missense variant does not alter protein structure/function; Has not been previously published as pathogenic or benign to our knowledge; In silico analysis suggests this variant may impact gene splicing. In the absence of RNA/functional studies, the actual effect of this sequence change is unknown.

Mayo Clinic Laboratories, Mayo Clinic
Classification: Uncertain significance. Last evaluated: 2022-10-28. Review status: criteria provided, single submitter. Criteria: ACMG Guidelines, 2015. Collection method: clinical testing. Allele origin: germline. Observed: 1 variant allele.
Comment: BP4, PM2_supporting

Fulgent Genetics
Classification: Uncertain significance for Autosomal recessive nonsyndromic hearing loss 3. Last evaluated: 2022-02-03. Review status: criteria provided, single submitter. Criteria: ACMG Guidelines, 2015. Collection method: clinical testing. Allele origin: unknown.

Laboratory for Molecular Medicine, Mass General Brigham Personalized Medicine
Classification: Uncertain significance. Last evaluated: 2014-09-04. Review status: criteria provided, single submitter. Criteria: LMM Criteria. Collection method: clinical testing. Allele origin: germline. Observed: 1 variant allele.
Comment: Variant classified as Uncertain Significance - Favor Benign. The Arg2903Gln vari ant in MYO15A has not been previously reported in individuals with hearing loss, but has been identified in 0.07% (6/8308) of European American chromosomes by t he NHLBI Exome Sequencing Project (dbSNP rs20 0781310). The arginine (Arg) residue at position 2903 is not fully conserved in mammals and across evolutionarily distant species, with one mammal (squirrel mon key) having glutamine (Gln) at this position, which raises the possibility that this change may be tolerated. Additional computational prediction tools do not p rovide strong support for or against an impact to the protein. In summary, while the clinical significance of the Arg2903Gln variant is uncertain, the frequency and conservation data suggest that it is more likely to be benign.

NM_016239.4(MYO15A):c.8708G>A (p.Arg2903Gln)

Gene: MYO15A (myosin XVA; plus strand). Cytogenetic location: 17p11.2.
Variant type: single nucleotide variant.
Coding change: c.8708G>A on transcript NM_016239.4 (MANE Select); coding-DNA position 8708, G replaced by A.
Protein change: p.Arg2903Gln; replaces arginine 2903 with glutamine.
Molecular consequence: missense variant.
Genome position (GRCh38, 1-based): chr17:18,157,060, G>A. VCF-style: chr17-18157060-G-A. GRCh37 (hg19) VCF-style: chr17-18060374-G-A.
Other names: short protein forms R2903Q.
Identifiers: ClinVar variation 164557 (VCV000164557.16), dbSNP rs200781310, ClinGen allele CA177261.